The following is an entry in ClinVar:

ClinVar aggregate classification (germline): Pathogenic/Likely pathogenic. Review status: criteria provided, multiple submitters, no conflicts (2 of 4 stars). 3 submissions from 3 submitters: Pathogenic (2); Likely pathogenic (1). Last evaluated 2025-06-18.

Conditions:
Infantile cortical hyperostosis. Also called: Hyperostosis, Cortical, Congenital; P1PK BLOOD GROUP SYSTEM, P(2) PHENOTYPE; Caffey Disease. Identifiers: Orphanet 1310, MedGen C0020497, MONDO:0007244, OMIM 114000.
Osteogenesis imperfecta type I (OI1). Also called: Lobstein's Disease; Osteogenesis imperfecta type 1; Classic Non-deforming Osteogenesis Imperfecta with Blue Sclerae; OI, TYPE I; OSTEOGENESIS IMPERFECTA TARDA; OSTEOGENESIS IMPERFECTA WITH BLUE SCLERAE. Identifiers: Orphanet 216796, Orphanet 666, MedGen C0023931, MONDO:0008146, OMIM 166200. Disease mechanism: loss of function.
Osteogenesis imperfecta with normal sclerae, dominant form (OI4). Also called: Osteogenesis imperfecta type 4; Common Variable Osteogenesis Imperfecta with Normal Sclerae; OSTEOGENESIS IMPERFECTA WITH NORMAL SCLERAE; OSTEOGENESIS IMPERFECTA, TYPE IV, WITH DENTINOGENESIS IMPERFECTA; Osteogenesis Imperfecta Type IV. Identifiers: Orphanet 216820, Orphanet 666, MedGen C0268363, MONDO:0008148, OMIM 166220.

Submissions (3):

Clinical Biomedical Laboratory, Shriners Hospital For Children - Canada
Classification: Pathogenic for Osteogenesis imperfecta with normal sclerae, dominant form. Last evaluated: 2025-06-18. Review status: criteria provided, single submitter. Criteria: ACMG Guidelines, 2015. Collection method: clinical testing. Allele origin: germline. Affected: yes.
Comment: This variant is predicted to substitute a glycine residue by an aspartic acid residue in the triple helical domain of the collagen type I alpha1 chain. Glycine substitutions in the triple helical domain of collagen type I cause disruption in the formation of the triple helix in the collagen molecule and are a typical cause of osteogenesis imperfecta. In the Genome Aggregation Database (gnomAD v2.1.1) this variant is not present. Computational tools (Revel 0.99) suggest that the change is damaging to protein function. The variant has been reported as a cause of osteogenesis imperfecta in the literature (PMID 30886339).

Labcorp Genetics (formerly Invitae), Labcorp
Classification: Pathogenic for Osteogenesis imperfecta type I. Last evaluated: 2023-05-15. Review status: criteria provided, single submitter. Criteria: Invitae Variant Classification Sherloc (09022015). Collection method: clinical testing. Allele origin: germline.
Comment: This sequence change replaces glycine, which is neutral and non-polar, with aspartic acid, which is acidic and polar, at codon 203 of the COL1A1 protein (p.Gly203Asp). For these reasons, this variant has been classified as Pathogenic. This variant disrupts the triple helix domain of COL1A1. Glycine residues within the Gly-Xaa-Yaa repeats of the triple helix domain are required for the structure and stability of fibrillar collagens (PMID: 7695699, 8218237, 19344236). In COL1A1, variants affecting these glycine residues are significantly enriched in individuals with disease (PMID: 9016532, 17078022) compared to the general population (ExAC). Advanced modeling of protein sequence and biophysical properties (such as structural, functional, and spatial information, amino acid conservation, physicochemical variation, residue mobility, and thermodynamic stability) performed at Invitae indicates that this missense variant is expected to disrupt COL1A1 protein function. ClinVar contains an entry for this variant (Variation ID: 1685271). This missense change has been observed in individual(s) with osteogenesis imperfecta (PMID: 30886339). This variant is not present in population databases (gnomAD no frequency).

Mendelics
Classification: Likely pathogenic for Infantile cortical hyperostosis. Last evaluated: 2022-05-04. Review status: criteria provided, single submitter. Criteria: Mendelics Assertion Criteria 2019. Collection method: clinical testing. Allele origin: germline.

Literature cited by the submitters: PubMed 30886339 (cited by Clinical Biomedical Laboratory, Shriners Hospital For Children - Canada and Labcorp Genetics (formerly Invitae), Labcorp); PubMed 7695699 (cited by Labcorp Genetics (formerly Invitae), Labcorp); PubMed 8218237 (cited by Labcorp Genetics (formerly Invitae), Labcorp); PubMed 19344236 (cited by Labcorp Genetics (formerly Invitae), Labcorp); PubMed 9016532 (cited by Labcorp Genetics (formerly Invitae), Labcorp); PubMed 17078022 (cited by Labcorp Genetics (formerly Invitae), Labcorp).

NM_000088.4(COL1A1):c.608G>A (p.Gly203Asp)

Gene: COL1A1 (collagen type I alpha 1 chain; minus strand). Cytogenetic location: 17q21.33.
Variant type: single nucleotide variant.
Coding change: c.608G>A on transcript NM_000088.4 (MANE Select); coding-DNA position 608, G replaced by A.
Protein change: p.Gly203Asp; replaces glycine 203 with aspartic acid.
Molecular consequence: missense variant.
Genome position (GRCh38, 1-based): chr17:50,197,983, C>T on the plus strand (G>A on the coding strand, the complement: COL1A1 is on the minus strand). VCF-style: chr17-50197983-C-T. GRCh37 (hg19) VCF-style: chr17-48275344-C-T.
Other names: short protein forms G203D.
Identifiers: ClinVar variation 1685271 (VCV001685271.5), dbSNP rs72667031, ClinGen allele CA400225247.
Genomic context (GRCh38, chr17:50,197,983, plus strand): 5'-TATGAATCTGTATAGAGAGTGCTTACTGAAGCTCCAGGCTCGCCAGGCTCACCAGGGGGA[C>T]CTTGGAAGCCTTGGGGACCCTTGAGAAGAAGGAAAAAGATGGGTTAGAAGACAAGTCCCT-3'
Protein context (NP_000079.2, residues 193-213): PGAPGPQGFQ[Gly203Asp]PPGEPGEPGA